The following is an entry in ClinVar:

ClinVar aggregate classification (germline): Likely benign. Review status: criteria provided, multiple submitters, no conflicts (2 of 4 stars). 8 submissions from 8 submitters: Likely benign (8). Last evaluated 2025-12-23.

Conditions:
Cardiovascular phenotype. Identifiers: MedGen CN230736.
Hypertrophic cardiomyopathy. Also called: HYPERTROPHIC MYOCARDIOPATHY. Identifiers: Orphanet 217569, MedGen C0007194, MeSH D002312, MONDO:0005045, HP:0001639.
Cardiomyopathy (CMYO). Also called: Cardiomyopathies. Identifiers: Orphanet 167848, MedGen C0878544, MONDO:0004994, HP:0001638. Inheritance: Various modes of inheritance.

Allele frequency attached by ClinVar (database versions not stated): gnomAD 0.00001; TOPMed 0.00002; gnomAD exomes 0.00003; ExAC 0.00004.

Submissions (8):

Labcorp Genetics (formerly Invitae), Labcorp
Classification: Likely benign for Hypertrophic cardiomyopathy. Last evaluated: 2025-12-23. Review status: criteria provided, single submitter. Criteria: Invitae Variant Classification Sherloc (09022015). Collection method: clinical testing. Allele origin: germline.

Molecular Diagnostic Laboratory for Inherited Cardiovascular Disease, Montreal Heart Institute
Classification: Likely benign. Last evaluated: 2025-04-09. Review status: criteria provided, single submitter. Criteria: ACMG Guidelines, 2015. Collection method: clinical testing. Allele origin: germline. Affected: no.
Comment: BP6;BP7

All of Us Research Program, National Institutes of Health
Classification: Likely benign for Cardiomyopathy. Last evaluated: 2024-08-30. Review status: criteria provided, single submitter. Criteria: ACMG Guidelines, 2015. Collection method: clinical testing. Allele origin: germline. Inheritance: Autosomal dominant inheritance. Observed: 10 variant alleles, 10 heterozygotes.
Comment: This study involves interpretation of variants in research participants for the purpose of population health screening. Participant phenotype was not available at the time of variant classification. Additional details can be found in publication PMID: 35346344, PMCID: PMC8962531

CHEO Genetics Diagnostic Laboratory, Children's Hospital of Eastern Ontario
Classification: Likely benign for Cardiomyopathy. Last evaluated: 2022-09-09. Review status: criteria provided, single submitter. Criteria: ACMG Guidelines, 2015. Collection method: clinical testing. Allele origin: germline.

Ambry Genetics
Classification: Likely benign for Cardiovascular phenotype. Last evaluated: 2020-07-23. Review status: criteria provided, single submitter. Criteria: Ambry Variant Classification Scheme 2023. Collection method: clinical testing. Allele origin: germline.

Color Diagnostics, LLC DBA Color Health
Classification: Likely benign for Cardiomyopathy. Last evaluated: 2018-09-29. Review status: criteria provided, single submitter. Criteria: ACMG Guidelines, 2015. Collection method: clinical testing. Allele origin: germline.

Laboratory for Molecular Medicine, Mass General Brigham Personalized Medicine
Classification: Likely benign. Last evaluated: 2017-07-27. Review status: criteria provided, single submitter. Criteria: ACMG Guidelines, 2015. Collection method: clinical testing. Allele origin: germline.
Comment: p.Ala100Ala in exon 4 of MYH7: This variant is not expected to have clinical significance because it does not alter an amino acid residue and is not located within the splice consensus sequence. It has been identified in 5/111704 of European chromosomes, 1/ 15304 African chromosomes, and 1/ 30782 South Asian chromosomes by the Genome Aggregation Database (gnomAD; dbSNP rs757141502).

GeneDx
Classification: Likely benign. Last evaluated: 2017-03-20. Review status: criteria provided, single submitter. Criteria: GeneDx Variant Classification (06012015). Collection method: clinical testing. Allele origin: germline. Affected: yes.
Comment: This variant is considered likely benign or benign based on one or more of the following criteria: it is a conservative change, it occurs at a poorly conserved position in the protein, it is predicted to be benign by multiple in silico algorithms, and/or has population frequency not consistent with disease.

NM_000257.4(MYH7):c.300G>A (p.Ala100=)

Gene: MYH7 (myosin heavy chain 7; minus strand). Cytogenetic location: 14q11.2.
Variant type: single nucleotide variant.
Coding change: c.300G>A on transcript NM_000257.4 (MANE Select); coding-DNA position 300, G replaced by A.
Protein change: p.Ala100=; no amino-acid change (alanine 100 retained).
Molecular consequence: synonymous variant.
Genome position (GRCh38, 1-based): chr14:23,433,129, C>T on the plus strand (G>A on the coding strand, the complement: MYH7 is on the minus strand). VCF-style: chr14-23433129-C-T. GRCh37 (hg19) VCF-style: chr14-23902338-C-T.
Other names: c.300G>A (LRG_384t1).
Identifiers: ClinVar variation 386338 (VCV000386338.19), dbSNP rs757141502, ClinGen allele CA035215.
Genomic context (GRCh38, chr14:23,433,129, plus strand): 5'-AGGTGCAGCACTCACGTAGATCATCCAGGAGCCGTAGCGATCCTTGAGGTTGTAGAGCAC[C>T]GCGGGCTCATGCAGGAAGGTCAGCATGGCCATGTCCTCGATTTTGTCGAACTTGGGTGGG-3'
Protein context (NP_000248.2, residues 90-110): MAMLTFLHEP[Ala100=]VLYNLKDRYG